The following is an entry in ClinVar:

NM_000264.5(PTCH1):c.2032A>G (p.Thr678Ala)

Genes: PTCH1 (patched 1; minus strand), LOC100507346 (uncharacterized LOC100507346; plus strand). Cytogenetic location: 9q22.32.
Variant type: single nucleotide variant.
Coding change: c.2032A>G on transcript NM_000264.5 (MANE Select); coding-DNA position 2032, A replaced by G.
Protein change: p.Thr678Ala; replaces threonine 678 with alanine.
Molecular consequence: missense variant. On other transcripts: non-coding transcript variant (2).
Genome position (GRCh38, 1-based): chr9:95,468,969, T>C on the plus strand (A>G on the coding strand, the complement: PTCH1 is on the minus strand). VCF-style: chr9-95468969-T-C. GRCh37 (hg19) VCF-style: chr9-98231251-T-C.
Other names: c.1579A>G, p.Thr527Ala (NM_001083607.3, NM_001083604.3, NM_001083605.3 and 1 more transcripts); c.1876A>G, p.Thr626Ala (NM_001354918.2); c.1834A>G, p.Thr612Ala (NM_001083602.3); c.2029A>G, p.Thr677Ala (NM_001083603.3); short protein forms T527A, T612A, T626A, T678A, T677A.
Identifiers: ClinVar variation 2742664 (VCV002742664.4), dbSNP rs2118044115, ClinGen allele CA374115798.

ClinVar aggregate classification (germline): Uncertain significance. Review status: criteria provided, multiple submitters, no conflicts (2 of 4 stars). 2 submissions from 2 submitters: Uncertain significance (2). Last evaluated 2026-01-09.

Conditions:
Hereditary cancer-predisposing syndrome. Also called: Tumor predisposition; Hereditary Cancer Syndrome; Hereditary neoplastic syndrome; Neoplastic Syndromes, Hereditary. Identifiers: Orphanet 140162, MedGen C0027672, MeSH D009386, MONDO:0015356.
Gorlin syndrome. Also called: Nevoid Basal Cell Carcinoma Syndrome; Basal cell nevus syndrome. Identifiers: Orphanet 377, MedGen C0004779, MONDO:0007187.

Submissions (2):

Ambry Genetics
Classification: Uncertain significance for Hereditary cancer-predisposing syndrome. Last evaluated: 2026-01-09. Review status: criteria provided, single submitter. Criteria: Ambry Variant Classification Scheme 2023. Collection method: clinical testing. Allele origin: germline.
Comment: The p.T678A variant (also known as c.2032A>G), located in coding exon 14 of the PTCH1 gene, results from an A to G substitution at nucleotide position 2032. The threonine at codon 678 is replaced by alanine, an amino acid with similar properties. This amino acid position is conserved. In addition, the in silico prediction for this alteration is inconclusive. Based on the available evidence, the clinical significance of this variant remains unclear.

Labcorp Genetics (formerly Invitae), Labcorp
Classification: Uncertain significance for Gorlin syndrome. Last evaluated: 2023-12-09. Review status: criteria provided, single submitter. Criteria: Invitae Variant Classification Sherloc (09022015). Collection method: clinical testing. Allele origin: germline.
Comment: This sequence change replaces threonine, which is neutral and polar, with alanine, which is neutral and non-polar, at codon 678 of the PTCH1 protein (p.Thr678Ala). This variant is not present in population databases (gnomAD no frequency). This variant has not been reported in the literature in individuals affected with PTCH1-related conditions. Advanced modeling of protein sequence and biophysical properties (such as structural, functional, and spatial information, amino acid conservation, physicochemical variation, residue mobility, and thermodynamic stability) performed at Invitae indicates that this missense variant is not expected to disrupt PTCH1 protein function with a negative predictive value of 95%. In summary, the available evidence is currently insufficient to determine the role of this variant in disease. Therefore, it has been classified as a Variant of Uncertain Significance.